The following is an entry in ClinVar:

NM_024422.6(DSC2):c.1979G>C (p.Ser660Thr)

Gene: DSC2 (desmocollin 2; minus strand). Cytogenetic location: 18q12.1.
Variant type: single nucleotide variant.
Coding change: c.1979G>C on transcript NM_024422.6 (MANE Select); coding-DNA position 1979, G replaced by C.
Protein change: p.Ser660Thr; replaces serine 660 with threonine.
Molecular consequence: missense variant.
Genome position (GRCh38, 1-based): chr18:31,071,751, C>G on the plus strand (G>C on the coding strand, the complement: DSC2 is on the minus strand). VCF-style: chr18-31071751-C-G. GRCh37 (hg19) VCF-style: chr18-28651717-C-G.
Other names: c.1550G>C, p.Ser517Thr (NM_001406506.1, NM_001406507.1); c.1979G>C, p.Ser660Thr (NM_004949.5); short protein forms S517T, S660T.
Identifiers: ClinVar variation 3682778 (VCV003682778.2).

ClinVar aggregate classification (germline): Uncertain significance (1 of 4 stars; one submission).

Conditions:
Arrhythmogenic right ventricular dysplasia 11. Also called: ARRHYTHMOGENIC RIGHT VENTRICULAR DYSPLASIA, FAMILIAL, 11; Arrhythmogenic Right Ventricular Dysplasia/Cardiomyopathy11; Arrhythmogenic right ventricular dysplasia 11 with mild palmoplantar keratoderma and woolly hair. Identifiers: MedGen C1864850, MONDO:0012506, OMIM 610476.

Submission:

Labcorp Genetics (formerly Invitae), Labcorp
Classification: Uncertain significance for Arrhythmogenic right ventricular dysplasia 11. Last evaluated: 2024-08-27. Review status: criteria provided, single submitter. Criteria: Invitae Variant Classification Sherloc (09022015). Collection method: clinical testing. Allele origin: germline.
Comment: This sequence change replaces serine, which is neutral and polar, with threonine, which is neutral and polar, at codon 660 of the DSC2 protein (p.Ser660Thr). This variant is not present in population databases (gnomAD no frequency). This variant has not been reported in the literature in individuals affected with DSC2-related conditions. Invitae Evidence Modeling of protein sequence and biophysical properties (such as structural, functional, and spatial information, amino acid conservation, physicochemical variation, residue mobility, and thermodynamic stability) indicates that this missense variant is not expected to disrupt DSC2 protein function with a negative predictive value of 80%. In summary, the available evidence is currently insufficient to determine the role of this variant in disease. Therefore, it has been classified as a Variant of Uncertain Significance.